The following is an entry in ClinVar:

ClinVar aggregate classification (germline): Uncertain significance. Review status: criteria provided, multiple submitters, no conflicts (2 of 4 stars). 2 submissions from 2 submitters: Uncertain significance (2). Last evaluated 2024-01-01.

Conditions:
SCN1A-related disorder. Also called: SCN1A-related disorders; SCN1A-related conditions; SCN1A-related condition.
Generalized epilepsy with febrile seizures plus, type 2 (GEFSP2). Also called: GEFS+, TYPE 2. Identifiers: Orphanet 36387, MedGen C1858673, MONDO:0011461, OMIM 604403.

Submissions (2):

Daryl Scott Lab, Baylor College of Medicine
Classification: Uncertain significance for SCN1A-related disorder. Last evaluated: 2024-01-01. Review status: criteria provided, single submitter. Criteria: ACMG Guidelines, 2015. Collection method: clinical testing. Allele origin: de novo. Observed: 1 heterozygote.
Comment: PS2, PM2, BP4

Baylor Genetics
Classification: Uncertain significance for Generalized epilepsy with febrile seizures plus, type 2. Last evaluated: 2023-06-27. Review status: criteria provided, single submitter. Criteria: ACMG Guidelines, 2015. Collection method: clinical testing. Allele origin: unknown.

NM_001165963.4(SCN1A):c.1377+3A>G

Gene: SCN1A (sodium voltage-gated channel alpha subunit 1; minus strand). Cytogenetic location: 2q24.3.
Variant type: single nucleotide variant.
Coding change: c.1377+3A>G on transcript NM_001165963.4 (MANE Select); 3 bases into the intron after coding-DNA position 1377, A replaced by G.
Molecular consequence: intron variant.
Genome position (GRCh38, 1-based): chr2:166,046,767, T>C on the plus strand (A>G on the coding strand, the complement: SCN1A is on the minus strand). VCF-style: chr2-166046767-T-C. GRCh37 (hg19) VCF-style: chr2-166903277-T-C.
Other names: c.1377+3A>G (NM_001353949.2, NM_001353958.2, NM_001353950.2 and 10 more transcripts); c.-1049+3A>G (NM_001353961.2).
Identifiers: ClinVar variation 2582435 (VCV002582435.2), dbSNP rs1060502191, ClinGen allele CA2582342021.